The following is an entry in ClinVar:

NM_004750.5(CRLF1):c.488C>A (p.Thr163Asn)

Gene: CRLF1 (cytokine receptor like factor 1; minus strand). Cytogenetic location: 19p13.11.
Variant type: single nucleotide variant.
Coding change: c.488C>A on transcript NM_004750.5 (MANE Select); coding-DNA position 488, C replaced by A.
Protein change: p.Thr163Asn; replaces threonine 163 with asparagine.
Molecular consequence: missense variant.
Genome position (GRCh38, 1-based): chr19:18,598,811, G>T on the plus strand (C>A on the coding strand, the complement: CRLF1 is on the minus strand). VCF-style: chr19-18598811-G-T. GRCh37 (hg19) VCF-style: chr19-18709621-G-T.
Other names: short protein forms T163N.
Identifiers: ClinVar variation 1986192 (VCV001986192.2), dbSNP rs1198507226, ClinGen allele CA404851581.

ClinVar aggregate classification (germline): Uncertain significance (1 of 4 stars; one submission).

Allele frequency attached by ClinVar (database versions not stated): gnomAD 0.00001.
gnomAD v4.1: 6 of 1,613,988 alleles (0.00037%); highest among the groups gnomAD compares: Middle Eastern, 0.016%; 1 homozygote.

Submission:

Labcorp Genetics (formerly Invitae), Labcorp
Classification: Uncertain significance. Last evaluated: 2026-01-19. Review status: criteria provided, single submitter. Criteria: Invitae Variant Classification Sherloc (09022015). Collection method: clinical testing. Allele origin: germline.
Comment: This sequence change replaces threonine, which is neutral and polar, with asparagine, which is neutral and polar, at codon 163 of the CRLF1 protein (p.Thr163Asn). This variant is present in population databases (no rsID available, gnomAD 0.006%). This variant has not been reported in the literature in individuals affected with CRLF1-related conditions. ClinVar contains an entry for this variant (Variation ID: 1986192). Invitae Evidence Modeling of protein sequence and biophysical properties (such as structural, functional, and spatial information, amino acid conservation, physicochemical variation, residue mobility, and thermodynamic stability) indicates that this missense variant is not expected to disrupt CRLF1 protein function with a negative predictive value of 80%. In summary, the available evidence is currently insufficient to determine the role of this variant in disease. Therefore, it has been classified as a Variant of Uncertain Significance.